The following is an entry in ClinVar:

NM_203447.4(DOCK8):c.6208A>G (p.Lys2070Glu)

Gene: DOCK8 (dedicator of cytokinesis 8; plus strand). Cytogenetic location: 9p24.3.
Variant type: single nucleotide variant.
Coding change: c.6208A>G on transcript NM_203447.4 (MANE Select); coding-DNA position 6208, A replaced by G.
Protein change: p.Lys2070Glu; replaces lysine 2070 with glutamic acid.
Molecular consequence: missense variant.
Genome position (GRCh38, 1-based): chr9:463,656, A>G. VCF-style: chr9-463656-A-G. GRCh37 (hg19) VCF-style: chr9-463656-A-G.
Other names: c.5908A>G, p.Lys1970Glu (NM_001190458.2); c.6004A>G, p.Lys2002Glu (NM_001193536.2); short protein forms K1970E, K2070E, K2002E.
Identifiers: ClinVar variation 1393182 (VCV001393182.8), dbSNP rs1415934979, ClinGen allele CA372751821.

ClinVar aggregate classification (germline): Uncertain significance (1 of 4 stars; one submission).

Conditions:
Combined immunodeficiency due to DOCK8 deficiency (HIES2). Also called: HIES autosomal recessive; Hyper-IgE recurrent infection syndrome, autosomal recessive; HYPER-IgE RECURRENT INFECTION SYNDROME 2, AUTOSOMAL RECESSIVE; HYPER-IgE SYNDROME 2, AUTOSOMAL RECESSIVE, WITH RECURRENT INFECTIONS; DOCK8 Deficiency. Identifiers: Orphanet 217390, MedGen C4722305, MONDO:0009478, OMIM 243700.

Submission:

Labcorp Genetics (formerly Invitae), Labcorp
Classification: Uncertain significance for Combined immunodeficiency due to DOCK8 deficiency. Last evaluated: 2024-02-24. Review status: criteria provided, single submitter. Criteria: Invitae Variant Classification Sherloc (09022015). Collection method: clinical testing. Allele origin: germline.
Comment: This sequence change replaces lysine, which is basic and polar, with glutamic acid, which is acidic and polar, at codon 2070 of the DOCK8 protein (p.Lys2070Glu). This variant is not present in population databases (gnomAD no frequency). This variant has not been reported in the literature in individuals affected with DOCK8-related conditions. ClinVar contains an entry for this variant (Variation ID: 1393182). Advanced modeling of protein sequence and biophysical properties (such as structural, functional, and spatial information, amino acid conservation, physicochemical variation, residue mobility, and thermodynamic stability) performed at Invitae indicates that this missense variant is not expected to disrupt DOCK8 protein function with a negative predictive value of 80%. In summary, the available evidence is currently insufficient to determine the role of this variant in disease. Therefore, it has been classified as a Variant of Uncertain Significance.